The following is an entry in ClinVar:

ClinVar aggregate classification (germline): Conflicting classifications of pathogenicity. Review status: criteria provided, conflicting classifications (1 of 4 stars). 3 submissions from 3 submitters: Uncertain significance (1); Likely benign (1). 1 of the submissions does not count toward it. Last evaluated 2025-12-08.

Conditions:
Hemochromatosis type 4 (HFE4). Also called: Ferroportin disease; HEMOCHROMATOSIS DUE TO DEFECT IN FERROPORTIN; HEMOCHROMATOSIS, AUTOSOMAL DOMINANT. Identifiers: Orphanet 139491, Orphanet 647834, Orphanet 648562, MedGen C1853733, MONDO:0011631, OMIM 606069.
SLC40A1-related disorder. Also called: SLC40A1-related condition.

Allele frequency attached by ClinVar (database versions not stated): TOPMed 0.00006; gnomAD 0.00001; gnomAD exomes 0.00012; ExAC 0.00014.
gnomAD v4.1: 13 of 1,614,106 alleles (0.00081%); highest among the groups gnomAD compares: East Asian, 0.029%; no homozygotes.

Submissions (3):

Labcorp Genetics (formerly Invitae), Labcorp
Classification: Likely benign for Hemochromatosis type 4. Last evaluated: 2025-12-08. Review status: criteria provided, single submitter. Criteria: Invitae Variant Classification Sherloc (09022015). Collection method: clinical testing. Allele origin: germline.

PreventionGenetics, part of Exact Sciences
Classification: Uncertain significance for SLC40A1-related condition. Last evaluated: 2023-04-19. Review status: criteria provided, single submitter. Criteria: ACMG Guidelines, 2015. Collection method: clinical testing. Allele origin: germline.
Comment: The SLC40A1 c.689C>A variant is predicted to result in the amino acid substitution p.Thr230Asn. To our knowledge, this variant has not been reported in the literature. This variant is reported in 0.16% of alleles in individuals of East Asian descent in gnomAD. Although we suspect that this variant may be benign, at this time, the clinical significance of this variant is uncertain due to the absence of conclusive functional and genetic evidence.

Laboratory of Molecular Genetics and Genomics, Rennes University Hospital
Classification: Likely pathogenic for Hemochromatosis type 4. Last evaluated: 2020-07-01. Review status: no assertion criteria provided. Criteria: ACMG Guidelines, 2015. Collection method: clinical testing. Allele origin: germline. Affected: yes. Not counted in ClinVar's aggregate classification.

NM_014585.6(SLC40A1):c.689C>A (p.Thr230Asn)

Gene: SLC40A1 (solute carrier family 40 member 1; minus strand). Cytogenetic location: 2q32.2.
Variant type: single nucleotide variant.
Coding change: c.689C>A on transcript NM_014585.6 (MANE Select); coding-DNA position 689, C replaced by A.
Protein change: p.Thr230Asn; replaces threonine 230 with asparagine.
Molecular consequence: missense variant.
Genome position (GRCh38, 1-based): chr2:189,565,425, G>T on the plus strand (C>A on the coding strand, the complement: SLC40A1 is on the minus strand). VCF-style: chr2-189565425-G-T. GRCh37 (hg19) VCF-style: chr2-190430151-G-T.
Other names: short protein forms T230N.
Identifiers: ClinVar variation 986331 (VCV000986331.9), dbSNP rs753603407, ClinGen allele CA2024180.